The following is an entry in ClinVar:

NM_002661.5(PLCG2):c.2076T>C (p.His692=)

Gene: PLCG2 (phospholipase C gamma 2; plus strand). Cytogenetic location: 16q23.3.
Variant type: single nucleotide variant.
Coding change: c.2076T>C on transcript NM_002661.5 (MANE Select); coding-DNA position 2076, T replaced by C.
Protein change: p.His692=; no amino-acid change (histidine 692 retained).
Molecular consequence: synonymous variant.
Genome position (GRCh38, 1-based): chr16:81,919,505, T>C. VCF-style: chr16-81919505-T-C. GRCh37 (hg19) VCF-style: chr16-81953110-T-C.
Other names: c.2076T>C, p.His692= (NM_001425749.1, NM_001425750.1, NM_001425751.1).
Identifiers: ClinVar variation 3046563 (VCV003046563.2), dbSNP rs1909975248, ClinGen allele CA496710968.

ClinVar aggregate classification (germline): Likely benign (0 of 4 stars; one submission).

Conditions:
PLCG2-related disorder. Also called: PLCG2-related condition.

Allele frequency attached by ClinVar (database versions not stated): gnomAD exomes below 0.00001.
gnomAD v4.1: 7 of 1,614,042 alleles (0.00043%); highest among the groups gnomAD compares: Middle Eastern, 0.017%; no homozygotes.

Submission:

PreventionGenetics, part of Exact Sciences
Classification: Likely benign for PLCG2-related condition. Last evaluated: 2023-06-08. Review status: no assertion criteria provided. Collection method: clinical testing. Allele origin: germline.
Comment: This variant is classified as likely benign based on ACMG/AMP sequence variant interpretation guidelines (Richards et al. 2015 PMID: 25741868, with internal and published modifications).